The following is an entry in ClinVar:

ClinVar aggregate classification (germline): Uncertain significance (1 of 4 stars; one submission).

Conditions:
Gorlin syndrome. Also called: Nevoid Basal Cell Carcinoma Syndrome; Basal cell nevus syndrome. Identifiers: Orphanet 377, MedGen C0004779, MONDO:0007187.

Submission:

Labcorp Genetics (formerly Invitae), Labcorp
Classification: Uncertain significance for Gorlin syndrome. Last evaluated: 2023-06-15. Review status: criteria provided, single submitter. Criteria: Invitae Variant Classification Sherloc (09022015). Collection method: clinical testing. Allele origin: germline.
Comment: In summary, the available evidence is currently insufficient to determine the role of this variant in disease. Therefore, it has been classified as a Variant of Uncertain Significance. Advanced modeling of protein sequence and biophysical properties (such as structural, functional, and spatial information, amino acid conservation, physicochemical variation, residue mobility, and thermodynamic stability) performed at Invitae indicates that this missense variant is not expected to disrupt PTCH1 protein function. This variant has not been reported in the literature in individuals affected with PTCH1-related conditions. This variant is not present in population databases (gnomAD no frequency). This sequence change replaces glutamic acid, which is acidic and polar, with glutamine, which is neutral and polar, at codon 340 of the PTCH1 protein (p.Glu340Gln).

NM_000264.5(PTCH1):c.1018G>C (p.Glu340Gln)

Gene: PTCH1 (patched 1; minus strand). Cytogenetic location: 9q22.32.
Variant type: single nucleotide variant.
Coding change: c.1018G>C on transcript NM_000264.5 (MANE Select); coding-DNA position 1018, G replaced by C.
Protein change: p.Glu340Gln; replaces glutamic acid 340 with glutamine.
Molecular consequence: missense variant. On other transcripts: non-coding transcript variant (1).
Genome position (GRCh38, 1-based): chr9:95,480,018, C>G on the plus strand (G>C on the coding strand, the complement: PTCH1 is on the minus strand). VCF-style: chr9-95480018-C-G. GRCh37 (hg19) VCF-style: chr9-98242300-C-G.
Other names: c.820G>C, p.Glu274Gln (NM_001083602.3); c.1015G>C, p.Glu339Gln (NM_001083603.3); c.565G>C, p.Glu189Gln (NM_001083604.3, NM_001083605.3, NM_001083606.3 and 1 more transcripts); c.1018G>C, p.Glu340Gln (NM_001354918.2); short protein forms E189Q, E274Q, E340Q, E339Q.
Identifiers: ClinVar variation 2716362 (VCV002716362.3), dbSNP rs2118391078, ClinGen allele CA374119657.